The following is an entry in ClinVar:

NM_052813.5(CARD9):c.712A>G (p.Met238Val)

Gene: CARD9 (caspase recruitment domain family member 9; minus strand). Cytogenetic location: 9q34.3.
Variant type: single nucleotide variant.
Coding change: c.712A>G on transcript NM_052813.5 (MANE Select); coding-DNA position 712, A replaced by G.
Protein change: p.Met238Val; replaces methionine 238 with valine.
Molecular consequence: missense variant.
Genome position (GRCh38, 1-based): chr9:136,370,617, T>C on the plus strand (A>G on the coding strand, the complement: CARD9 is on the minus strand). VCF-style: chr9-136370617-T-C. GRCh37 (hg19) VCF-style: chr9-139265069-T-C.
Other names: c.712A>G, p.Met238Val (NM_052814.4); short protein forms M238V.
Identifiers: ClinVar variation 2066038 (VCV002066038.4), dbSNP rs1833241325, ClinGen allele CA375544584.
Genomic context (GRCh38, chr9:136,370,617, plus strand): 5'-GGAGCAGGGCCTTCTCCTGCTGCAGCTCCCACAGCAGCTCCTGGCTGGGCCGCTGCTCCA[T>C]GGCGTGCCTGAGCTTCAGCGTGTGCTTGCGCTCCACCTTGCAGTCGTCCTCGGCCTTCAT-3'
Protein context (NP_434700.2, residues 228-248): RKHTLKLRHA[Met238Val]EQRPSQELLW

ClinVar aggregate classification (germline): Uncertain significance (1 of 4 stars; one submission).

Conditions:
Predisposition to invasive fungal disease due to CARD9 deficiency (IMD103). Also called: Candidiasis, familial, 2, autosomal recessive; IMMUNODEFICIENCY 103, SUSCEPTIBILITY TO FUNGAL INFECTIONS; CARD9 IMMUNODEFICIENCY. Identifiers: Orphanet 457088, MedGen C1859353, MONDO:0008905, OMIM 212050.

Allele frequency attached by ClinVar (database versions not stated): gnomAD exomes below 0.00001; TOPMed below 0.00001.
gnomAD v4.1: 1 of 1,612,730 alleles (0.000062%); highest among the groups gnomAD compares: Non-Finnish European, 0.000085%; no homozygotes.

Submission:

Labcorp Genetics (formerly Invitae), Labcorp
Classification: Uncertain significance for Predisposition to invasive fungal disease due to CARD9 deficiency. Last evaluated: 2022-11-08. Review status: criteria provided, single submitter. Criteria: Invitae Variant Classification Sherloc (09022015). Collection method: clinical testing. Allele origin: germline.
Comment: This variant has not been reported in the literature in individuals affected with CARD9-related conditions. In summary, the available evidence is currently insufficient to determine the role of this variant in disease. Therefore, it has been classified as a Variant of Uncertain Significance. Advanced modeling of protein sequence and biophysical properties (such as structural, functional, and spatial information, amino acid conservation, physicochemical variation, residue mobility, and thermodynamic stability) performed at Invitae indicates that this missense variant is not expected to disrupt CARD9 protein function. This variant is not present in population databases (gnomAD no frequency). This sequence change replaces methionine, which is neutral and non-polar, with valine, which is neutral and non-polar, at codon 238 of the CARD9 protein (p.Met238Val).